The following is an entry in ClinVar:

NM_013447.4(ADGRE2):c.187G>C (p.Glu63Gln)

Gene: ADGRE2 (adhesion G protein-coupled receptor E2; minus strand). Cytogenetic location: 19p13.12.
Variant type: single nucleotide variant.
Coding change: c.187G>C on transcript NM_013447.4 (MANE Select); coding-DNA position 187, G replaced by C.
Protein change: p.Glu63Gln; replaces glutamic acid 63 with glutamine.
Molecular consequence: missense variant.
Genome position (GRCh38, 1-based): chr19:14,773,950, C>G on the plus strand (G>C on the coding strand, the complement: ADGRE2 is on the minus strand). VCF-style: chr19-14773950-C-G. GRCh37 (hg19) VCF-style: chr19-14884762-C-G.
Other names: c.187G>C, p.Glu63Gln (NM_001271052.1, NM_152916.2, NM_152917.2); short protein forms E63Q.
Identifiers: ClinVar variation 2017424 (VCV002017424.4), dbSNP rs781576897, ClinGen allele CA404465239.

ClinVar aggregate classification (germline): Uncertain significance (1 of 4 stars; one submission).

gnomAD v4.1: 1 of 1,614,170 alleles (0.000062%); highest among the groups gnomAD compares: Non-Finnish European, 0.000085%; no homozygotes.

Submission:

Labcorp Genetics (formerly Invitae), Labcorp
Classification: Uncertain significance. Last evaluated: 2022-07-15. Review status: criteria provided, single submitter. Criteria: Invitae Variant Classification Sherloc (09022015). Collection method: clinical testing. Allele origin: germline.
Comment: In summary, the available evidence is currently insufficient to determine the role of this variant in disease. Therefore, it has been classified as a Variant of Uncertain Significance. Algorithms developed to predict the effect of missense changes on protein structure and function are either unavailable or do not agree on the potential impact of this missense change (SIFT: "Tolerated"; PolyPhen-2: "Possibly Damaging"; Align-GVGD: "Class C0"). This sequence change replaces glutamic acid, which is acidic and polar, with glutamine, which is neutral and polar, at codon 63 of the ADGRE2 protein (p.Glu63Gln). This variant is not present in population databases (gnomAD no frequency). This variant has not been reported in the literature in individuals affected with ADGRE2-related conditions.